The following is an entry in ClinVar:

ClinVar aggregate classification (germline): Uncertain significance (1 of 4 stars; one submission).

Conditions:
Hypoproteinemia, hypercatabolic (IMD43). Also called: IMMUNODEFICIENCY 43; BETA-2-MICROGLOBULIN DEFICIENCY; B2M DEFICIENCY; MHC CLASS I DEFICIENCY 4. Identifiers: MedGen C1855796, MONDO:0009434, OMIM 241600.

Submission:

Labcorp Genetics (formerly Invitae), Labcorp
Classification: Uncertain significance for Hypoproteinemia, hypercatabolic. Last evaluated: 2022-06-28. Review status: criteria provided, single submitter. Criteria: Invitae Variant Classification Sherloc (09022015). Collection method: clinical testing. Allele origin: germline.
Comment: In summary, the available evidence is currently insufficient to determine the role of this variant in disease. Therefore, it has been classified as a Variant of Uncertain Significance. This sequence change replaces leucine, which is neutral and non-polar, with valine, which is neutral and non-polar, at codon 18 of the B2M protein (p.Leu18Val). This variant is not present in population databases (gnomAD no frequency). This variant has not been reported in the literature in individuals affected with B2M-related conditions. Algorithms developed to predict the effect of missense changes on protein structure and function output the following: SIFT: "Tolerated"; PolyPhen-2: "Benign"; Align-GVGD: "Class C0". The valine amino acid residue is found in multiple mammalian species, which suggests that this missense change does not adversely affect protein function.

NM_004048.4(B2M):c.52C>G (p.Leu18Val)

Gene: B2M (beta-2-microglobulin; plus strand). Cytogenetic location: 15q21.1.
Variant type: single nucleotide variant.
Coding change: c.52C>G on transcript NM_004048.4 (MANE Select); coding-DNA position 52, C replaced by G.
Protein change: p.Leu18Val; replaces leucine 18 with valine.
Molecular consequence: missense variant.
Genome position (GRCh38, 1-based): chr15:44,711,598, C>G. VCF-style: chr15-44711598-C-G. GRCh37 (hg19) VCF-style: chr15-45003796-C-G.
Other names: short protein forms L18V.
Identifiers: ClinVar variation 2028582 (VCV002028582.4), dbSNP rs2141284625, ClinGen allele CA392232221.